The following is an entry in ClinVar:

NM_006885.4(ZFHX3):c.9862C>A (p.Leu3288Met)

Genes: ZFHX3 (zinc finger homeobox 3; minus strand), ZFHX3-AS1 (ZFHX3 antisense RNA 1; plus strand). Cytogenetic location: 16q22.2.
Variant type: single nucleotide variant.
Coding change: c.9862C>A on transcript NM_006885.4 (MANE Select); coding-DNA position 9862, C replaced by A.
Protein change: p.Leu3288Met; replaces leucine 3288 with methionine.
Molecular consequence: missense variant.
Genome position (GRCh38, 1-based): chr16:72,788,414, G>T on the plus strand (C>A on the coding strand, the complement: ZFHX3 is on the minus strand). VCF-style: chr16-72788414-G-T. GRCh37 (hg19) VCF-style: chr16-72822313-G-T.
Other names: c.7120C>A, p.Leu2374Met (NM_001164766.2); c.9862C>A, p.Leu3288Met (NM_001386735.1); short protein forms L2374M, L3288M.
Identifiers: ClinVar variation 5009742 (VCV005009742.1).

ClinVar aggregate classification (germline): Uncertain significance (1 of 4 stars; one submission).

gnomAD v4.1: 3 of 1,614,234 alleles (0.00019%); highest among the groups gnomAD compares: East Asian, 0.0045%; no homozygotes.

Submission:

GeneDx
Classification: Uncertain significance. Last evaluated: 2026-02-14. Review status: criteria provided, single submitter. Criteria: GeneDx Variant Classification Process June 2021. Collection method: clinical testing. Allele origin: germline.
Comment: Not observed at significant frequency in large population cohorts (gnomAD); In silico analysis suggests that this missense variant does not alter protein structure/function; Has not been previously published as pathogenic or benign to our knowledge